The following is an entry in ClinVar:

ClinVar aggregate classification (germline): Uncertain significance. Review status: criteria provided, multiple submitters, no conflicts (2 of 4 stars). 2 submissions from 2 submitters: Uncertain significance (2). Last evaluated 2024-03-27.

Conditions:
Autosomal recessive Alport syndrome (ATS2). Also called: COL4A4 Alport Syndrome and Thin Basement Membrane Nephropathy; ALPORT SYNDROME 2, AUTOSOMAL RECESSIVE; Alport syndrome type 2; COL4A3-Related Nephropathy. Identifiers: Orphanet 63, Orphanet 88919, MedGen C4746745, MONDO:0008762, OMIM 203780.
Hematuria, benign familial, 1 (BFH1). Also called: THIN MEMBRANE NEPHROPATHY. Identifiers: MedGen CN376803, MONDO:0007709, OMIM 141200.

Allele frequency attached by ClinVar (database versions not stated): gnomAD 0.00001; gnomAD exomes 0.00001.
gnomAD v4.1: 12 of 1,585,000 alleles (0.00076%); highest among the groups gnomAD compares: Non-Finnish European, 0.00094%; no homozygotes.

Submissions (2):

Fulgent Genetics
Classification: Uncertain significance for Hematuria, benign familial, 1; Autosomal recessive Alport syndrome. Last evaluated: 2024-03-27. Review status: criteria provided, single submitter. Criteria: ACMG Guidelines, 2015. Collection method: clinical testing. Allele origin: germline.

GeneDx
Classification: Uncertain significance. Last evaluated: 2022-04-26. Review status: criteria provided, single submitter. Criteria: GeneDx Variant Classification Process June 2021. Collection method: clinical testing. Allele origin: germline. Affected: yes.
Comment: Not observed at significant frequency in large population cohorts (gnomAD); Occurs in the triple helical domain at the Y position in the canonical Gly-X-Y repeat; although this variant may have an effect on normal protein folding and function, missense substitution at the Y position is not a common mechanism of disease; In silico analysis supports that this missense variant has a deleterious effect on protein structure/function; Has not been previously published as pathogenic or benign to our knowledge

NM_000092.5(COL4A4):c.352C>T (p.Pro118Ser)

Gene: COL4A4 (collagen type IV alpha 4 chain; minus strand). Cytogenetic location: 2q36.3.
Variant type: single nucleotide variant.
Coding change: c.352C>T on transcript NM_000092.5 (MANE Select); coding-DNA position 352, C replaced by T.
Protein change: p.Pro118Ser; replaces proline 118 with serine.
Molecular consequence: missense variant.
Genome position (GRCh38, 1-based): chr2:227,119,915, G>A on the plus strand (C>T on the coding strand, the complement: COL4A4 is on the minus strand). VCF-style: chr2-227119915-G-A. GRCh37 (hg19) VCF-style: chr2-227984631-G-A.
Other names: short protein forms P118S.
Identifiers: ClinVar variation 1712732 (VCV001712732.3), dbSNP rs1175135285, ClinGen allele CA350862389.